The following is an entry in ClinVar:

ClinVar aggregate classification (germline): Pathogenic/Likely pathogenic. Review status: criteria provided, multiple submitters, no conflicts (2 of 4 stars). 3 submissions from 3 submitters: Pathogenic (1); Likely pathogenic (2). Last evaluated 2025-07-10.

Conditions:
Metachromatic leukodystrophy (MLD). Also called: ARSA DEFICIENCY; CEREBROSIDE SULFATASE DEFICIENCY; METACHROMATIC LEUKOENCEPHALOPATHY; SULFATIDE LIPIDOSIS; Cerebral sclerosis diffuse metachromatic form; Arylsulfatase A Deficiency. Identifiers: Orphanet 512, MedGen C0023522, MONDO:0018868, OMIM 250100.

Allele frequency attached by ClinVar (database versions not stated): gnomAD exomes below 0.00001; TOPMed 0.00001; gnomAD 0.00002.

Submissions (4):

Myriad Genetics, Inc.
Classification: Likely pathogenic for Metachromatic leukodystrophy. Last evaluated: 2025-07-10. Review status: criteria provided, single submitter. Criteria: Myriad Autosomal Dominant, Autosomal Recessive and X-Linked Classification Criteria (2023). Collection method: clinical testing. Allele origin: unknown.
Comment: NM_000487.5(ARSA):c.907G>A(G303R) is a missense variant classified as likely pathogenic in the context of metachromatic leukodystrophy. G303R has been observed in cases with relevant disease (PMID: 24001781, 26553228, 26075876). Relevant functional assessments of this variant are available in the literature (PMID: 37480112). G303R has not been observed in referenced population frequency databases. In summary, NM_000487.5(ARSA):c.907G>A(G303R) is a missense variant that has functional support for pathogenicity and has been observed more frequently in cases with the relevant disease than in healthy populations. Please note: this variant was assessed in the context of healthy population screening.

Natera, Inc.
Classification: Likely pathogenic for Metachromatic leukodystrophy. Last evaluated: 2025-06-05. Review status: criteria provided, single submitter. Criteria: Natera Variant Classification Schema (03/2026). Collection method: clinical testing. Allele origin: germline.
Comment: The c.907G>A variant in ARSA is a missense variant predicted to cause substitution of glycine to arginine at amino acid 303. This variant is rare in the general population with a frequency below the threshold expected for the associated phenotype(s). This variant has been observed in one or more individuals affected with the associated recessive disease, as either homozygous or compound heterozygous with a second variant (PMID: 24001781, 26075876, 26553228). Computational prediction algorithms indicate this variant is likely to affect gene or protein function. Given the available evidence, this variant is classified as Likely Pathogenic.

Labcorp Genetics (formerly Invitae), Labcorp
Classification: Pathogenic for Metachromatic leukodystrophy. Last evaluated: 2023-11-03. Review status: criteria provided, single submitter. Criteria: Invitae Variant Classification Sherloc (09022015). Collection method: clinical testing. Allele origin: germline.
Comment: This sequence change replaces glycine, which is neutral and non-polar, with arginine, which is basic and polar, at codon 303 of the ARSA protein (p.Gly303Arg). This variant is not present in population databases (gnomAD no frequency). This missense change has been observed in individual(s) with metachromatic leukodystrophy (PMID: 24001781, 26553228). This variant is also known as p.Gly301Arg. ClinVar contains an entry for this variant (Variation ID: 2138464). Advanced modeling of protein sequence and biophysical properties (such as structural, functional, and spatial information, amino acid conservation, physicochemical variation, residue mobility, and thermodynamic stability) performed at Invitae indicates that this missense variant is expected to disrupt ARSA protein function with a positive predictive value of 95%. Algorithms developed to predict the effect of sequence changes on RNA splicing suggest that this variant may disrupt the consensus splice site. For these reasons, this variant has been classified as Pathogenic.

Gelb Laboratory, University of Washington
No classification provided (evidence only). Condition: Metachromatic leukodystrophy. Review status: no classification provided. Collection method: in vitro. Allele origin: not applicable. Functional consequence: loss of function. Not counted in ClinVar's aggregate classification.

Literature cited by the submitters: PubMed 24001781 (cited by 3 submitters); PubMed 26075876 (cited by Myriad Genetics, Inc. and Natera, Inc.); PubMed 26553228 (cited by 3 submitters); PubMed 37480112 (cited by Myriad Genetics, Inc.).

NM_000487.6(ARSA):c.907G>A (p.Gly303Arg)

Gene: ARSA (arylsulfatase A; minus strand). Cytogenetic location: 22q13.33.
Variant type: single nucleotide variant.
Coding change: c.907G>A on transcript NM_000487.6 (MANE Select); coding-DNA position 907, G replaced by A.
Protein change: p.Gly303Arg; replaces glycine 303 with arginine.
Molecular consequence: missense variant.
Genome position (GRCh38, 1-based): chr22:50,626,226, C>T on the plus strand (G>A on the coding strand, the complement: ARSA is on the minus strand). VCF-style: chr22-50626226-C-T. GRCh37 (hg19) VCF-style: chr22-51064654-C-T.
Other names: c.907G>A, p.Gly303Arg (NM_001085425.3, NM_001085426.3, NM_001085427.3); c.649G>A, p.Gly217Arg (NM_001085428.3, NM_001362782.2); short protein forms G217R, G303R.
Identifiers: ClinVar variation 2138464 (VCV002138464.9), dbSNP rs1276584787, ClinGen allele CA412174715.